The following is an entry in ClinVar:

NM_004100.5(EYA4):c.348G>A (p.Ala116=)

Gene: EYA4 (EYA transcriptional coactivator and phosphatase 4; plus strand). Cytogenetic location: 6q23.2.
Variant type: single nucleotide variant.
Coding change: c.348G>A on transcript NM_004100.5 (MANE Select); coding-DNA position 348, G replaced by A.
Protein change: p.Ala116=; no amino-acid change (alanine 116 retained).
Molecular consequence: synonymous variant. On other transcripts: intron variant (2).
Genome position (GRCh38, 1-based): chr6:133,456,626, G>A. VCF-style: chr6-133456626-G-A. GRCh37 (hg19) VCF-style: chr6-133777764-G-A.
Other names: c.348G>A, p.Ala116= (NM_001301013.2, NM_172105.4); c.279G>A, p.Ala93= (NM_001370458.1, NM_172103.4); c.209-4488G>A (NM_001370459.1, NM_001301012.2).
Identifiers: ClinVar variation 633200 (VCV000633200.15), dbSNP rs373496105, ClinGen allele CA148045946.

ClinVar aggregate classification (germline): Likely benign. Review status: criteria provided, multiple submitters, no conflicts (2 of 4 stars). 5 submissions from 5 submitters: Likely benign (5). Last evaluated 2025-12-09.

Conditions:
Cardiovascular phenotype. Identifiers: MedGen CN230736.
Dilated cardiomyopathy 1J (CMD1J). Also called: CARDIOMYOPATHY, DILATED, WITH SENSORINEURAL HEARING LOSS, AUTOSOMAL DOMINANT. Identifiers: Orphanet 217622, MedGen C1854368, MONDO:0011541, OMIM 605362.

Allele frequency attached by ClinVar (database versions not stated): gnomAD exomes 0.00002 and 0.00004; TOPMed 0.00002; ESP Exome Variant Server 0.00008.
gnomAD v4.1: 69 of 1,612,992 alleles (0.0043%); highest among the groups gnomAD compares: Non-Finnish European, 0.005%; no homozygotes.

Submissions (5):

Labcorp Genetics (formerly Invitae), Labcorp
Classification: Likely benign for Dilated cardiomyopathy 1J. Last evaluated: 2025-12-09. Review status: criteria provided, single submitter. Criteria: Invitae Variant Classification Sherloc (09022015). Collection method: clinical testing. Allele origin: germline.

Women's Health and Genetics/Laboratory Corporation of America, LabCorp
Classification: Likely benign. Last evaluated: 2025-07-21. Review status: criteria provided, single submitter. Criteria: LabCorp Variant Classification Summary - May 2015. Collection method: clinical testing. Allele origin: germline.

Blueprint Genetics
Classification: Likely benign. Last evaluated: 2024-09-05. Review status: criteria provided, single submitter. Criteria: ACMG Guidelines, 2015. Collection method: clinical testing. Allele origin: germline.

GeneDx
Classification: Likely benign. Last evaluated: 2021-04-16. Review status: criteria provided, single submitter. Criteria: GeneDx Variant Classification Process June 2021. Collection method: clinical testing. Allele origin: germline. Affected: yes.
Comment: See Variant Classification Assertion Criteria.

Ambry Genetics
Classification: Likely benign for Cardiovascular phenotype. Last evaluated: 2020-12-03. Review status: criteria provided, single submitter. Criteria: Ambry Variant Classification Scheme 2023. Collection method: clinical testing. Allele origin: germline.